The following is an entry in ClinVar:

NM_147188.3(FBXO22):c.1118_1121dup (p.Leu375fs)

Gene: FBXO22 (F-box protein 22; plus strand). Cytogenetic location: 15q24.2.
Variant type: Duplication.
Coding change: c.1118_1121dup on transcript NM_147188.3 (MANE Select); coding-DNA positions 1118 to 1121, 4 bases duplicated (TTAT; older notation c.1118_1121dupTTAT).
Protein change: p.Leu375fs; shifts the reading frame from leucine 375.
Molecular consequence: frameshift variant. On other transcripts: non-coding transcript variant (1).
Genome position (GRCh38, 1-based): chr15:75,933,008-75,933,011, TTAT duplicated; duplicating any 4 consecutive bases within chr15:75,933,007-75,933,011 gives the same sequence; the c. name uses the placement nearest the transcript's 3' end. VCF-style (leftmost placement, unchanged base first): chr15-75933006-C-CTTTA. GRCh37 (hg19) VCF-style: chr15-76225347-C-CTTTA.
Other names: short protein forms L375fs.
Identifiers: ClinVar variation 4871290 (VCV004871290.1).

ClinVar aggregate classification (germline): Uncertain significance (1 of 4 stars; one submission).

Submission:

Ambry Genetics
Classification: Uncertain significance. Last evaluated: 2026-04-20. Review status: criteria provided, single submitter. Criteria: Ambry Variant Classification Scheme 2023. Collection method: clinical testing. Allele origin: germline.
Comment: The c.1118_1121dupTTAT alteration, located in exon 7 (coding exon 7) of the FBXO22 gene, consists of a duplication of TTAT at position 1118, causing a translational frameshift with a predicted alternate stop codon after 5 amino acids. This variant is not expected to trigger nonsense-mediated mRNA decay, and impacts the last 29 amino acids of the protein. The exact functional effect of this variant is unknown. Based on data from gnomAD, the TTATTTAT allele has an overall frequency of 0.001% (3/249450) total alleles studied. The highest observed frequency was 0.006% (2/34586) of Latino alleles. This amino acid region is not well conserved in available vertebrate species. Based on insufficient or conflicting evidence, the clinical significance of this alteration remains unclear.